The following is an entry in ClinVar:

ClinVar aggregate classification (germline): Pathogenic (1 of 4 stars; one submission).

Submission:

Labcorp Genetics (formerly Invitae), Labcorp
Classification: Pathogenic. Last evaluated: 2024-01-09. Review status: criteria provided, single submitter. Criteria: Invitae Variant Classification Sherloc (09022015). Collection method: clinical testing. Allele origin: unknown.
Comment: This variant is a gross deletion of the genomic region encompassing exon(s) 20-21 of the OCA2 gene. This variant would be expected to be in-frame, preserving the integrity of the reading frame. This variant has not been reported in the literature in individuals affected with OCA2-related conditions. This variant disrupts a region of the OCA2 protein in which other variant(s) (p.Ser736Leu) have been determined to be pathogenic (PMID: 18463683, 28976636, 29345414; Invitae). This suggests that this is a clinically significant region of the protein, and that variants that disrupt it are likely to be disease-causing. For these reasons, this variant has been classified as Pathogenic.

Literature cited by the submitters: PubMed 18463683; PubMed 28976636; PubMed 29345414.

NC_000015.9:g.(?_28116280)_(28117088_?)del

Gene: OCA2 (OCA2 melanosomal transmembrane protein; minus strand). Cytogenetic location: 15q13.1.
Variant type: Deletion.
Identifiers: ClinVar variation 3243847 (VCV003243847.1).